The following is an entry in ClinVar:

NM_000018.4(ACADVL):c.710G>A (p.Cys237Tyr)

Gene: ACADVL (acyl-CoA dehydrogenase very long chain; plus strand). Cytogenetic location: 17p13.1.
Variant type: single nucleotide variant.
Coding change: c.710G>A on transcript NM_000018.4 (MANE Select); coding-DNA position 710, G replaced by A.
Protein change: p.Cys237Tyr; replaces cysteine 237 with tyrosine.
Molecular consequence: missense variant.
Genome position (GRCh38, 1-based): chr17:7,222,039, G>A. VCF-style: chr17-7222039-G-A. GRCh37 (hg19) VCF-style: chr17-7125358-G-A.
Other names: c.644G>A, p.Cys215Tyr (NM_001033859.3); c.779G>A, p.Cys260Tyr (NM_001270447.2); c.482G>A, p.Cys161Tyr (NM_001270448.2); short protein forms C237Y, C161Y, C215Y, C260Y.
Identifiers: ClinVar variation 2762316 (VCV002762316.6), dbSNP rs2508299118, ClinGen allele CA397723510.

ClinVar aggregate classification (germline): Conflicting classifications of pathogenicity. Review status: criteria provided, conflicting classifications (1 of 4 stars). 3 submissions from 3 submitters: Likely pathogenic (1); Uncertain significance (2). Last evaluated 2025-08-20.

Conditions:
Very long chain acyl-CoA dehydrogenase deficiency (ACADVLD). Also called: Very Long-Chain Acyl-Coenzyme A Dehydrogenase Deficiency; VLCAD Deficiency. Identifiers: Orphanet 26793, MedGen C3887523, MONDO:0008723, OMIM 201475.

Submissions (3):

Myriad Genetics, Inc.
Classification: Uncertain significance for Very long chain acyl-CoA dehydrogenase deficiency. Last evaluated: 2025-08-20. Review status: criteria provided, single submitter. Criteria: Myriad Autosomal Dominant, Autosomal Recessive and X-Linked Classification Criteria (2023). Collection method: clinical testing. Allele origin: unknown.
Comment: NM_000018.3(ACADVL):c.710G>A(C237Y) is a missense variant classified as a variant of uncertain significance in the context of very-long-chain acyl-CoA dehydrogenase deficiency. C237Y has not been observed in cases with relevant disease. Relevant functional assessments of this variant are not available in the literature. C237Y has not been observed in referenced population frequency databases. In summary, there is insufficient evidence to classify NM_000018.3(ACADVL):c.710G>A(C237Y) as pathogenic or benign. Please note: this variant was assessed in the context of healthy population screening.

Women's Health and Genetics/Laboratory Corporation of America, LabCorp
Classification: Uncertain significance. Last evaluated: 2025-07-17. Review status: criteria provided, single submitter. Criteria: LabCorp Variant Classification Summary - May 2015. Collection method: clinical testing. Allele origin: germline.
Comment: Variant summary: ACADVL c.710G>A (p.Cys237Tyr) results in a non-conservative amino acid change located in the acyl-CoA oxidase/dehydrogenase, middle domain (IPR006091) of the encoded protein sequence. Algorithms developed to predict the effect of missense changes on protein structure and function all suggest that this variant is likely to be disruptive. The variant was absent in 251484 control chromosomes (gnomAD). The available data on variant occurrences in the general population are insufficient to allow any conclusion about variant significance. To our knowledge, no occurrence of c.710G>A in individuals affected with Very Long Chain Acyl-CoA Dehydrogenase Deficiency and no experimental evidence demonstrating its impact on protein function have been reported. A different variant affecting the same codon has been classified as likely pathogenic/pathogenic by our lab (c.709T>C, &same_codon_pdot&), supporting the critical relevance of codon 237 to ACADVL protein function. ClinVar contains an entry for this variant (Variation ID: 2762316). Based on the evidence outlined above, the variant was classified as uncertain significance.

Labcorp Genetics (formerly Invitae), Labcorp
Classification: Likely pathogenic for Very long chain acyl-CoA dehydrogenase deficiency. Last evaluated: 2023-09-21. Review status: criteria provided, single submitter. Criteria: Invitae Variant Classification Sherloc (09022015). Collection method: clinical testing. Allele origin: germline.
Comment: This sequence change replaces cysteine, which is neutral and slightly polar, with tyrosine, which is neutral and polar, at codon 237 of the ACADVL protein (p.Cys237Tyr). This variant is not present in population databases (gnomAD no frequency). This variant has not been reported in the literature in individuals affected with ACADVL-related conditions. Advanced modeling of protein sequence and biophysical properties (such as structural, functional, and spatial information, amino acid conservation, physicochemical variation, residue mobility, and thermodynamic stability) performed at Invitae indicates that this missense variant is expected to disrupt ACADVL protein function. This variant disrupts the p.Cys237 amino acid residue in ACADVL. Other variant(s) that disrupt this residue have been determined to be pathogenic (PMID: 18670371). This suggests that this residue is clinically significant, and that variants that disrupt this residue are likely to be disease-causing. In summary, the currently available evidence indicates that the variant is pathogenic, but additional data are needed to prove that conclusively. Therefore, this variant has been classified as Likely Pathogenic.

Literature cited by the submitters: PubMed 18670371 (cited by Labcorp Genetics (formerly Invitae), Labcorp).